The following is an entry in ClinVar:

NM_018979.4(WNK1):c.6997T>C (p.Phe2333Leu)

Gene: WNK1 (WNK lysine deficient protein kinase 1; plus strand). Cytogenetic location: 12p13.33.
Variant type: single nucleotide variant.
Coding change: c.6997T>C on transcript NM_018979.4 (MANE Select); coding-DNA position 6997, T replaced by C.
Protein change: p.Phe2333Leu; replaces phenylalanine 2333 with leucine.
Molecular consequence: missense variant.
Genome position (GRCh38, 1-based): chr12:908,640, T>C. VCF-style: chr12-908640-T-C. GRCh37 (hg19) VCF-style: chr12-1017806-T-C.
Other names: c.7777T>C, p.Phe2593Leu (NM_001184985.2); c.6253T>C, p.Phe2085Leu (NM_014823.3); c.7753T>C, p.Phe2585Leu (NM_213655.5); short protein forms F2593L, F2085L, F2333L, F2585L.
Identifiers: ClinVar variation 1040484 (VCV001040484.9), dbSNP rs1955898305, ClinGen allele CA383341092.
Genomic context (GRCh38, chr12:908,640, plus strand): 5'-CTAGGTCACTTCACCAAGTCTATGTGCCCCCCACAGCAGTATGGCTTTCCAGCTACCCCA[T>C]TTGGCGCTCAATGGAGTGGGACGGGTGGCCCAGCACCACAGCCACTTGGCCAGTTCCAAC-3'
Protein context (NP_061852.3, residues 2323-2343): PQQYGFPATP[Phe2333Leu]GAQWSGTGGP

ClinVar aggregate classification (germline): Uncertain significance. Review status: criteria provided, multiple submitters, no conflicts (2 of 4 stars). 2 submissions from 2 submitters: Uncertain significance (2). Last evaluated 2023-12-23.

Conditions:
Neuropathy, hereditary sensory and autonomic, type 2A (HSAN2A). Also called: MORVAN DISEASE; NEUROPATHY, CONGENITAL SENSORY; NEUROPATHY, HEREDITARY SENSORY RADICULAR, AUTOSOMAL RECESSIVE; NEUROPATHY, HEREDITARY SENSORY, TYPE IIA; NEUROPATHY, PROGRESSIVE SENSORY, OF CHILDREN; WNK1-Related HSAN2 (HSAN2A). Identifiers: Orphanet 970, MedGen C2752089, MONDO:0024309, OMIM 201300.
Pseudohypoaldosteronism type 2C (PHA2C). Also called: Pseudohypoaldosteronism Type IIC. Identifiers: Orphanet 757, Orphanet 88940, MedGen C1840391, MONDO:0013778, OMIM 614492.

Allele frequency attached by ClinVar (database versions not stated): TOPMed below 0.00001; gnomAD 0.00001.
gnomAD v4.1: 1 of 1,614,032 alleles (0.000062%); highest among the groups gnomAD compares: African/African-American, 0.0013%; no homozygotes.

Submissions (2):

Fulgent Genetics
Classification: Uncertain significance for Neuropathy, hereditary sensory and autonomic, type 2A; Pseudohypoaldosteronism type 2C. Last evaluated: 2023-12-23. Review status: criteria provided, single submitter. Criteria: ACMG Guidelines, 2015. Collection method: clinical testing. Allele origin: germline.

Labcorp Genetics (formerly Invitae), Labcorp
Classification: Uncertain significance for Neuropathy, hereditary sensory and autonomic, type 2A; Pseudohypoaldosteronism type 2C. Last evaluated: 2020-10-29. Review status: criteria provided, single submitter. Criteria: Invitae Variant Classification Sherloc (09022015). Collection method: clinical testing. Allele origin: germline.
Comment: In summary, the available evidence is currently insufficient to determine the role of this variant in disease. Therefore, it has been classified as a Variant of Uncertain Significance. Advanced modeling of protein sequence and biophysical properties (such as structural, functional, and spatial information, amino acid conservation, physicochemical variation, residue mobility, and thermodynamic stability) performed at Invitae indicates that this missense variant is not expected to disrupt WNK1 protein function. This variant has not been reported in the literature in individuals with WNK1-related conditions. This variant is not present in population databases (ExAC no frequency). This sequence change replaces phenylalanine with leucine at codon 2585 of the WNK1 protein (p.Phe2585Leu). The phenylalanine residue is highly conserved and there is a small physicochemical difference between phenylalanine and leucine.